The following is an entry in ClinVar:

ClinVar aggregate classification (germline): Uncertain significance. Review status: criteria provided, multiple submitters, no conflicts (2 of 4 stars). 2 submissions from 2 submitters: Uncertain significance (2). Last evaluated 2025-10-01.

Conditions:
Brachyolmia-amelogenesis imperfecta syndrome. Also called: PLATYSPONDYLY WITH AMELOGENESIS IMPERFECTA; Tooth agenesis, selective, 6; Dental anomalies and short stature. Identifiers: Orphanet 2899, MedGen C1832594, MONDO:0011018, OMIM 601216. Disease mechanism: loss of function.
Inborn genetic diseases. Identifiers: MedGen C0950123, MeSH D030342.

Submissions (2):

Ambry Genetics
Classification: Uncertain significance for Inborn genetic diseases. Last evaluated: 2025-10-01. Review status: criteria provided, single submitter. Criteria: Ambry Variant Classification Scheme 2023. Collection method: clinical testing. Allele origin: germline.

Labcorp Genetics (formerly Invitae), Labcorp
Classification: Uncertain significance for Brachyolmia-amelogenesis imperfecta syndrome. Last evaluated: 2025-03-27. Review status: criteria provided, single submitter. Criteria: Invitae Variant Classification Sherloc (09022015). Collection method: clinical testing. Allele origin: germline.
Comment: This sequence change replaces alanine, which is neutral and non-polar, with threonine, which is neutral and polar, at codon 250 of the LTBP3 protein (p.Ala250Thr). This variant is not present in population databases (gnomAD no frequency). This variant has not been reported in the literature in individuals affected with LTBP3-related conditions. An algorithm developed to predict the effect of missense changes on protein structure and function (PolyPhen-2) suggests that this variant is likely to be tolerated. In summary, the available evidence is currently insufficient to determine the role of this variant in disease. Therefore, it has been classified as a Variant of Uncertain Significance.

NM_001130144.3(LTBP3):c.748G>A (p.Ala250Thr)

Gene: LTBP3 (latent transforming growth factor beta binding protein 3; minus strand). Cytogenetic location: 11q13.1.
Variant type: single nucleotide variant.
Coding change: c.748G>A on transcript NM_001130144.3 (MANE Select); coding-DNA position 748, G replaced by A.
Protein change: p.Ala250Thr; replaces alanine 250 with threonine.
Molecular consequence: missense variant.
Genome position (GRCh38, 1-based): chr11:65,553,817, C>T on the plus strand (G>A on the coding strand, the complement: LTBP3 is on the minus strand). VCF-style: chr11-65553817-C-T. GRCh37 (hg19) VCF-style: chr11-65321288-C-T.
Other names: c.397G>A, p.Ala133Thr (NM_001164266.1); c.748G>A, p.Ala250Thr (NM_021070.4); c.748G>A (NM_001130144.2); short protein forms A133T, A250T.
Identifiers: ClinVar variation 3719309 (VCV003719309.3).